The following is an entry in ClinVar:

NM_016203.3(PRKAG2):c.690_701del

Genes: PRKAG2 (protein kinase AMP-activated non-catalytic subunit gamma 2; minus strand), LOC129999660 (ATAC-STARR-seq lymphoblastoid silent region 18823; plus strand). Cytogenetic location: 7q36.1.
Variant type: Deletion.
Coding change: c.690_701del on transcript NM_016203.3; coding-DNA positions 690 to 701, 12 bases deleted (GCTGGCGGCGGC).
Molecular consequence: 5 prime UTR variant (on NM_001407035.1). On other transcripts: intron variant (3).
Genome position (GRCh38, 1-based): chr7:151,632,122-151,632,133, GCCGCCGCCAGC deleted on the plus strand (GCTGGCGGCGGC on the coding strand, the reverse complement: PRKAG2 is on the minus strand); deleting any 12 consecutive bases within chr7:151,632,122-151,632,139 gives the same sequence; the c. name uses the placement nearest the transcript's 3' end. VCF-style (leftmost placement, unchanged base first): chr7-151632121-GGCCGCCGCCAGC-G. GRCh37 (hg19) VCF-style: chr7-151329207-GGCCGCCGCCAGC-G.
Other names: c.-34_-23del (NM_001407035.1, NM_001407036.1, NM_001407040.1 and 1 more transcripts); c.467-36682_467-36671del (NM_001407031.1); c.467-36679_467-36668del (NM_001407030.1); c.95-36682_95-36671del (NM_001407037.1).
Identifiers: ClinVar variation 3370593 (VCV003370593.1).

ClinVar aggregate classification (germline): Uncertain significance (1 of 4 stars; one submission).

Submission:

GeneDx
Classification: Uncertain significance. Last evaluated: 2024-03-11. Review status: criteria provided, single submitter. Criteria: GeneDx Variant Classification Process June 2021. Collection method: clinical testing. Allele origin: germline. Affected: yes.
Comment: Has not been previously published as pathogenic or benign to our knowledge; Not observed at significant frequency in large population cohorts (gnomAD); In-frame deletion of 12 amino acids in a non-repeat region